The following is an entry in ClinVar:

ClinVar aggregate classification (germline): Uncertain significance (1 of 4 stars; one submission).

Submission:

Women's Health and Genetics/Laboratory Corporation of America, LabCorp
Classification: Uncertain significance. Last evaluated: 2023-08-11. Review status: criteria provided, single submitter. Criteria: LabCorp Variant Classification Summary - May 2015. Collection method: clinical testing. Allele origin: germline.
Comment: Variant summary: F13A1 c.1261G>A (p.Gly421Ser) results in a non-conservative amino acid change in the encoded protein sequence. Five of five in-silico tools predict a damaging effect of the variant on protein function. The variant allele was found at a frequency of 4e-06 in 251432 control chromosomes (gnomAD). c.1261G>A has been reported in the literature in a homozygous individual affected with Factor XIIIA Deficiency (Kangsadalampai_2000). These data indicate that the variant may be associated with disease. To our knowledge, no experimental evidence demonstrating an impact on protein function has been reported. The following publication has been ascertained in the context of this evaluation (PMID: 11073170). No submitters have cited clinical-significance assessments for this variant to ClinVar after 2014. Based on the evidence outlined above, the variant was classified as VUS-possibly pathogenic.

Literature cited by the submitters: PubMed 11073170.

NM_000129.4(F13A1):c.1261G>A (p.Gly421Ser)

Gene: F13A1 (coagulation factor XIII A chain; minus strand). Cytogenetic location: 6p25.1.
Variant type: single nucleotide variant.
Coding change: c.1261G>A on transcript NM_000129.4 (MANE Select); coding-DNA position 1261, G replaced by A.
Protein change: p.Gly421Ser; replaces glycine 421 with serine.
Molecular consequence: missense variant.
Genome position (GRCh38, 1-based): chr6:6,195,841, C>T on the plus strand (G>A on the coding strand, the complement: F13A1 is on the minus strand). VCF-style: chr6-6195841-C-T. GRCh37 (hg19) VCF-style: chr6-6196074-C-T.
Other names: short protein forms G421S.
Identifiers: ClinVar variation 2581648 (VCV002581648.1), dbSNP rs770291227, ClinGen allele CA3624400.